The following is an entry in ClinVar:

NM_001395891.1(CLASP1):c.196-570C>T

Genes: CLASP1 (cytoplasmic linker associated protein 1; minus strand), CLASP1-AS1 (CLASP1 antisense RNA 1; plus strand), RNU4ATAC (RNA, U4atac small nuclear; plus strand). Cytogenetic location: 2q14.2.
Variant type: single nucleotide variant.
Coding change: c.196-570C>T on transcript NM_001395891.1 (MANE Select); 570 bases into the intron before coding-DNA position 196, C replaced by T.
Molecular consequence: intron variant.
Genome position (GRCh38, 1-based): chr2:121,530,895, G>A on the plus strand (C>T on the coding strand, the complement: CLASP1 is on the minus strand). VCF-style: chr2-121530895-G-A. GRCh37 (hg19) VCF-style: chr2-122288471-G-A.
Other names: 16G-A; c.196-570C>T (NM_001378003.1, NM_001378004.1, NM_001142273.2 and 4 more transcripts).
Identifiers: ClinVar variation 218082 (VCV000218082.48), dbSNP rs750325275, ClinGen allele CA210442.

ClinVar aggregate classification (germline): Pathogenic/Likely pathogenic. Review status: criteria provided, multiple submitters, no conflicts (2 of 4 stars). 17 submissions from 17 submitters: Pathogenic (13); Likely pathogenic (2). 2 of the submissions do not count toward it. Last evaluated 2026-04-17.

Conditions:
RNU4ATAC-related disorder. Also called: RNU4ATAC-related condition.
Lowry-Wood syndrome (LWS). Identifiers: Orphanet 1824, MedGen C0796021, MONDO:0009191, OMIM 226960.
Osteodysplastic primordial dwarfism, type 1 (MOPD1). Also called: Microcephalic Osteodysplastic Primordial Dwarfism, Type I; Microcephalic Osteodysplastic Primordial Dwarfism Type I/III (MOPDI) / Taybi-Linder Syndrome; BRACHYMELIC PRIMORDIAL DWARFISM; MOPD I; MICROCEPHALIC OSTEODYSPLASTIC PRIMORDIAL DWARFISM, TYPE III; MOPD III. Identifiers: Orphanet 2636, MedGen C1859452, MONDO:0008871, OMIM 210710.
Roifman syndrome (RFMN). Also called: SPONDYLOEPIPHYSEAL DYSPLASIA, RETINAL DYSTROPHY, AND ANTIBODY DEFICIENCY. Identifiers: Orphanet 353298, MedGen C1846059, MONDO:0014722, OMIM 616651.
RNU4ATAC spectrum disorder. Also called: RNU4atac-opathy. Identifiers: MedGen CN377746, MONDO:0100558.

Allele frequency attached by ClinVar (database versions not stated): ExAC 0.00019; TOPMed 0.00022.
gnomAD v4.1: 71 of 693,922 alleles (0.01%); highest among the groups gnomAD compares: Admixed American, 0.012%; no homozygotes.

Submissions 1 to 10 of 17:

Institute of Medical Genetics and Applied Genomics, University Hospital Tübingen
Classification: Pathogenic for Roifman syndrome. Last evaluated: 2026-04-17. Review status: criteria provided, single submitter. Criteria: ACMG Guidelines, 2015. Collection method: clinical testing. Allele origin: germline. Inheritance: Autosomal recessive inheritance. Affected: yes.
Comment: compound heterozygous

Labcorp Genetics (formerly Invitae), Labcorp
Classification: Pathogenic. Last evaluated: 2025-12-20. Review status: criteria provided, single submitter. Criteria: Invitae Variant Classification Sherloc (09022015). Collection method: clinical testing. Allele origin: germline.
Comment: This variant occurs in the RNU4ATAC gene, which encodes an RNA molecule that does not result in a protein product. This variant is present in population databases (rs750325275, gnomAD 0.04%). This variant has been observed in individuals with Roifman syndrome (PMID: 26522830, 28669401, 29263834, 29391254, 32595695). It has also been observed to segregate with disease in related individuals. This variant is also known as c.196-570C>T and 122288471 G>A. ClinVar contains an entry for this variant (Variation ID: 218082). Algorithms developed to predict the effect of variants on gene product structure and function are not available or were not evaluated for this variant. Functional studies have shown that this variant disrupts ncRNA function (PMID: 32628740). For these reasons, this variant has been classified as Pathogenic.

Variantyx, Inc.
Classification: Pathogenic for Osteodysplastic primordial dwarfism, type 1. Last evaluated: 2025-12-19. Review status: criteria provided, single submitter. Criteria: Variantyx Assertion Criteria 2022. Collection method: clinical testing. Allele origin: germline. Inheritance: Autosomal recessive inheritance.
Comment: This is a non-coding transcript variant in the RNU4ATAC gene (OMIM: 601428). Pathogenic variants in this gene have been associated with autosomal recessive RNU4ATAC-related disorders. The alteration has been identified in the homozygous or compound heterozygous state in the current proband and multiple individuals reported in the published literature affected with microcephalic osteodysplastic primordial dwarfism type I or Roifman syndrome (PMID: 32595695, 29391254, 26522830) (PM3_Strong), and it has been observed to segregate with disease in at least two individuals from two families (PMID: 29391254, 26522830) (PP1). Functional studies have shown that this variant alters RNU4ATAC protein function (PMID: 32628740) (PS3_Moderate), and the variant lies within a known hotspot for pathogenic variants or a well-established critical functional domain of the RNU4ATAC protein (PMID: 32628740, 26522830) (PM1). This variant has a 0.0121% maximum allele frequency in non-founder control populations (PM2_Supporting). Based on the current evidence, this variant is classified as pathogenic for autosomal recessive RNU4ATAC-related disorders.

CeGaT Center for Human Genetics Tuebingen
Classification: Pathogenic. Last evaluated: 2025-11-01. Review status: criteria provided, single submitter. Criteria: CeGaT Center For Human Genetics Tuebingen Variant Classification Criteria Version 2. Collection method: clinical testing. Allele origin: germline. Affected: yes. Observed: 5 variant alleles.
Comment: RNU4ATAC: PM3:Very Strong, PM2

Broad Center for Mendelian Genomics, Broad Institute of MIT and Harvard
Classification: Pathogenic for RNU4ATAC spectrum disorder. Last evaluated: 2025-08-21. Review status: criteria provided, single submitter. Criteria: Ellingford et al. (Genome Med. 2022). Collection method: curation. Allele origin: germline. Inheritance: Autosomal recessive inheritance.
Comment: The n.16G>A variant in RNU4ATAC was identified by our study, in the compound heterozygous or homozygous state, in two individuals with RNU4ATAC spectrum disorder. This variant in RNU4ATAC has been reported in the literature in multiple individuals with RNU4ATAC spectrum disorder (PMID: 26522830, 29263834, 28669401, 29391254, 32595695), and has been identified in 0.01% (6/49704) of Admixed American chromosomes by the Genome Aggregation Database (gnomAD; dbSNP rs750325275). Although this variant has been seen in the general population in a heterozygous state, its frequency is not high enough to rule out a pathogenic role. This variant has also been reported in ClinVar (VCV000218082.30) and has been interpreted as pathogenic by multiple submitters. Of the many affected individuals, at least two of those were homozygotes and at least three were compound heterozygotes that carried a reported pathogenic variant in trans, which increases the likelihood that the n.16G>A variant is pathogenic (VCV000030178.40, VCV000636959.8; PMID: 26522830, 29263834, 29391254, 32595695). In vitro functional studies provide some evidence that the n.16G>A variant will impact splicing efficiency (PMID: 32628740). However, these types of assays may not accurately represent biological function. The n.16G>A variant is located in the Stem II region of RNU4ATAC where several other variants have been identified, suggesting that this variant is in a functional domain and supports pathogenicity (PMID: 26522830, 32628740). In summary, this variant meets criteria to be classified as pathogenic for autosomal recessive RNU4ATAC spectrum disorder. ACMG/AMP Criteria applied: PM3_very-strong, PM1, PS3_supporting (Richards 2015).

3billion
Classification: Pathogenic for Roifman syndrome. Last evaluated: 2025-04-14. Review status: criteria provided, single submitter. Criteria: ACMG Guidelines, 2015. Collection method: clinical testing. Allele origin: germline. Affected: yes.
Comment: The variant is observed at an extremely low frequency in the gnomAD v4.1.0 dataset (total allele frequency: 0.010%). Predicted Consequence/Location: non_coding_transcript_exon_variant. The variant was identified in trans with the other variant. Functional studies provide strong evidence of the variant having a damaging effect on the gene or gene product (PMID: 29263834, 29391254). The variant has been reported to be in trans with a pathogenic variant as either compound heterozygous or homozygous in at least 2 similarly affected unrelated individuals (PMID: 26522830, 29263834, 29391254). The variant has been reported at least twice as pathogenic with clinical assertions and evidence for the classification (ClinVar ID: VCV000218082 / PMID: 26522830 / 3billion dataset). Therefore, this variant is classified as Pathogenic according to the recommendation of ACMG/AMP guideline.

Victorian Clinical Genetics Services, Murdoch Childrens Research Institute
Classification: Pathogenic for RNU4ATAC spectrum disorder. Last evaluated: 2025-01-22. Review status: criteria provided, single submitter. Criteria: ACMG Guidelines, 2015. Collection method: clinical testing. Allele origin: germline. Affected: yes.
Comment: This variant is classified as Pathogenic. Evidence in support of pathogenic classification: Non-coding variant with known effect. Functional studies have shown this variant significantly reduced splicing efficiencies (PMID: 32628740); Variant is present in gnomAD <0.01 for a recessive condition (v4: 71 heterozygote(s), 0 homozygote(s)); This variant has strong previous evidence of pathogenicity in unrelated individuals. This variant has been classified as likely pathogenic/pathogenic by diagnostic laboratories in ClinVar; Variant is located in the well-established functional stem II region (PMID: 26522830). Additional information: This variant is heterozygous; This gene is associated with autosomal recessive disease; Loss of function is a known mechanism of disease in this gene and is associated with RNU4ATAC spectrum disorder (MONDO:0100558); Heterozygous variant detected in trans with a second PATHOGENIC heterozygous variant (NR_023343.1(RNU4ATAC):n.46G>A) in a recessive disease.

Blueprint Genetics
Classification: Pathogenic for RNU4ATAC-related disorders. Last evaluated: 2024-09-18. Review status: criteria provided, single submitter. Criteria: ACMG Guidelines, 2015. Collection method: clinical testing. Allele origin: germline. Affected: yes. Observed: 5 variant alleles.

Genomic Medicine Center of Excellence, King Faisal Specialist Hospital and Research Centre
Classification: Likely pathogenic. Last evaluated: 2024-04-04. Review status: criteria provided, single submitter. Criteria: ACMG Guidelines, 2015. Collection method: clinical testing. Allele origin: germline.

Revvity Omics, Revvity
Classification: Pathogenic. Last evaluated: 2023-12-06. Review status: criteria provided, single submitter. Criteria: ACMG Guidelines, 2015. Collection method: clinical testing. Allele origin: germline.